The following is an entry in ClinVar:

ClinVar aggregate classification (germline): Uncertain significance (1 of 4 stars; one submission).

Submission:

Greenwood Genetic Center Diagnostic Laboratories, Greenwood Genetic Center
Classification: Uncertain significance. Last evaluated: 2023-11-10. Review status: criteria provided, single submitter. Criteria: ACMG Guidelines, 2015. Collection method: clinical testing. Allele origin: germline. Affected: yes.
Comment: PM2, BP4, PP2

NM_002971.6(SATB1):c.260T>A (p.Ile87Asn)

Gene: SATB1 (SATB homeobox 1; minus strand). Cytogenetic location: 3p24.3.
Variant type: single nucleotide variant.
Coding change: c.260T>A on transcript NM_002971.6 (MANE Select); coding-DNA position 260, T replaced by A.
Protein change: p.Ile87Asn; replaces isoleucine 87 with asparagine.
Molecular consequence: missense variant.
Genome position (GRCh38, 1-based): chr3:18,417,030, A>T on the plus strand (T>A on the coding strand, the complement: SATB1 is on the minus strand). VCF-style: chr3-18417030-A-T. GRCh37 (hg19) VCF-style: chr3-18458522-A-T.
Other names: c.260T>A, p.Ile87Asn (NM_001131010.4, NM_001195470.3, NM_001322871.2 and 4 more transcripts); c.44T>A, p.Ile15Asn (NM_001322876.2); short protein forms I87N, I15N.
Identifiers: ClinVar variation 2692458 (VCV002692458.1), dbSNP rs2470804883, ClinGen allele CA351861869.